The following is an entry in ClinVar:

NM_000275.3(OCA2):c.2189G>A (p.Trp730Ter)

Gene: OCA2 (OCA2 melanosomal transmembrane protein; minus strand). Cytogenetic location: 15q13.1.
Variant type: single nucleotide variant.
Coding change: c.2189G>A on transcript NM_000275.3 (MANE Select); coding-DNA position 2189, G replaced by A.
Protein change: p.Trp730Ter; replaces tryptophan 730 with a stop codon.
Molecular consequence: nonsense.
Genome position (GRCh38, 1-based): chr15:27,871,209, C>T on the plus strand (G>A on the coding strand, the complement: OCA2 is on the minus strand). VCF-style: chr15-27871209-C-T. GRCh37 (hg19) VCF-style: chr15-28116355-C-T.
Other names: c.2117G>A, p.Trp706Ter (NM_001300984.2); short protein forms W706*, W730*.
Identifiers: ClinVar variation 5014444 (VCV005014444.1).
Genomic context (GRCh38, chr15:27,871,209, plus strand): 5'-CTCACCATGGTAGCAGTGAACGGGATGTTGTCAATCAGGGACGACGCCAGGGCTGAGACC[C>T]ACACCACCAGGACAATGGCGGCTATGAGGCGCTGCTCCTCTGGGACCATCTGGAAGGAGG-3'

ClinVar aggregate classification (germline): Pathogenic (1 of 4 stars; one submission).

Conditions:
Tyrosinase-positive oculocutaneous albinism (OCA2). Also called: ALBINISM II; Oculocutaneous albinism type 2; Albinism, oculocutaneous, type II. Identifiers: Orphanet 79432, MedGen C0268495, MONDO:0008746, OMIM 203200.

gnomAD v4.1: 2 of 1,613,900 alleles (0.00012%); highest among the groups gnomAD compares: African/African-American, 0.0013%; no homozygotes.

Submission:

Myriad Genetics, Inc.
Classification: Pathogenic for Tyrosinase-positive oculocutaneous albinism. Last evaluated: 2025-05-15. Review status: criteria provided, single submitter. Criteria: Myriad Autosomal Dominant, Autosomal Recessive and X-Linked Classification Criteria (2023). Collection method: clinical testing. Allele origin: unknown.
Comment: NM_000275.2(OCA2):c.2189G>A(W730*) is expected to be pathogenic in the context of oculocutaneous albinism, OCA2-related. This variant is predicted to lead to an abnormal or absent protein product due to the creation of a premature termination codon in OCA2, a gene where loss-of-function variants are known to be pathogenic. Please note: this variant was assessed in the context of healthy population screening.